The following is an entry in ClinVar:

NM_004484.4(GPC3):c.34G>A (p.Val12Met)

Gene: GPC3 (glypican 3; minus strand). Cytogenetic location: Xq26.2.
Variant type: single nucleotide variant.
Coding change: c.34G>A on transcript NM_004484.4 (MANE Select); coding-DNA position 34, G replaced by A.
Protein change: p.Val12Met; replaces valine 12 with methionine.
Molecular consequence: missense variant.
Genome position (GRCh38, 1-based): chrX:133,985,416, C>T on the plus strand (G>A on the coding strand, the complement: GPC3 is on the minus strand). VCF-style: chrX-133985416-C-T. GRCh37 (hg19) VCF-style: chrX-133119443-C-T.
Other names: c.34G>A, p.Val12Met (NM_001164617.2, NM_001164618.2, NM_001164619.2); short protein forms V12M.
Identifiers: ClinVar variation 1471630 (VCV001471630.8), dbSNP rs748152935, ClinGen allele CA414707179.

ClinVar aggregate classification (germline): Uncertain significance (1 of 4 stars; one submission).

Conditions:
Wilms tumor 1 (WT1). Also called: Wilms tumor, somatic. Identifiers: Orphanet 654, MedGen CN033288, MONDO:0008679, OMIM 194070.

Submission:

Labcorp Genetics (formerly Invitae), Labcorp
Classification: Uncertain significance for Wilms tumor 1. Last evaluated: 2021-04-23. Review status: criteria provided, single submitter. Criteria: Invitae Variant Classification Sherloc (09022015). Collection method: clinical testing. Allele origin: germline.
Comment: This sequence change replaces valine with methionine at codon 12 of the GPC3 protein (p.Val12Met). The valine residue is weakly conserved and there is a small physicochemical difference between valine and methionine. This variant is not present in population databases (ExAC no frequency). This variant has not been reported in the literature in individuals with GPC3-related conditions. Algorithms developed to predict the effect of missense changes on protein structure and function are either unavailable or do not agree on the potential impact of this missense change (SIFT: "Deleterious"; PolyPhen-2: "Possibly Damaging"; Align-GVGD: "Class C0"). In summary, the available evidence is currently insufficient to determine the role of this variant in disease. Therefore, it has been classified as a Variant of Uncertain Significance.